The following is an entry in ClinVar:

NM_000161.3(GCH1):c.557C>T (p.Thr186Ile)

Gene: GCH1 (GTP cyclohydrolase 1; minus strand). Cytogenetic location: 14q22.2.
Variant type: single nucleotide variant.
Coding change: c.557C>T on transcript NM_000161.3 (MANE Select); coding-DNA position 557, C replaced by T.
Protein change: p.Thr186Ile; replaces threonine 186 with isoleucine.
Molecular consequence: missense variant.
Genome position (GRCh38, 1-based): chr14:54,845,837, G>A on the plus strand (C>T on the coding strand, the complement: GCH1 is on the minus strand). VCF-style: chr14-54845837-G-A. GRCh37 (hg19) VCF-style: chr14-55312555-G-A.
Other names: c.557C>T, p.Thr186Ile (NM_001024024.2, NM_001024070.2, NM_001024071.2); short protein forms T186I.
Identifiers: ClinVar variation 1807219 (VCV001807219.1), dbSNP rs2504343509, ClinGen allele CA389787391.

ClinVar aggregate classification (germline): Likely pathogenic (1 of 4 stars; one submission).

Allele frequency attached by ClinVar (database versions not stated): gnomAD exomes below 0.00001.
gnomAD v4.1: 1 of 1,603,982 alleles (0.000062%); highest among the groups gnomAD compares: Non-Finnish European, 0.000085%; no homozygotes.

Submission:

Athena Diagnostics
Classification: Likely pathogenic. Last evaluated: 2022-01-24. Review status: criteria provided, single submitter. Criteria: Athena Diagnostics Criteria. Collection method: clinical testing. Allele origin: unknown.
Comment: This variant has not been reported in large, multi-ethnic general populations. This variant appears to segregate with disease in at least one family. The GCH1 gene is reported to exhibit gender-related incomplete penetrance of disease. Consistent with this variability, this variant has been reported in individuals with clinical presentations ranging from severe DRD, to adult-onset parkinsonism, to asymptomatic.

Literature cited by the submitters: PubMed 31213404; PubMed 20108370; PubMed 27619486; PubMed 18410856.